The following is an entry in ClinVar:

NM_000169.3(GLA):c.369+1G>T

Genes: GLA (galactosidase alpha; minus strand), RPL36A-HNRNPH2 (RPL36A-HNRNPH2 readthrough; plus strand). Cytogenetic location: Xq22.1.
Variant type: single nucleotide variant.
Coding change: c.369+1G>T on transcript NM_000169.3 (MANE Select); the canonical splice donor site of the intron after coding-DNA position 369, G replaced by T.
Molecular consequence: splice donor variant. On other transcripts: intron variant (2).
Genome position (GRCh38, 1-based): chrX:101,403,810, C>A on the plus strand (G>T on the coding strand, the complement: GLA is on the minus strand). VCF-style: chrX-101403810-C-A. GRCh37 (hg19) VCF-style: chrX-100658798-C-A.
Other names: c.301-8126C>A (NM_001199973.2); c.178-8126C>A (NM_001199974.2); c.492+1G>T (NM_001406747.1, NM_001406749.1); c.369+1G>T (NM_001406748.1).
Identifiers: ClinVar variation 4087206 (VCV004087206.2), dbSNP rs797044669.
Genomic context (GRCh38, chrX:101,403,810, plus strand): 5'-GCTTCTGTACAGAAGTGCTTACAGTCCTCTGAATGAACAAGAACATTATCTATAAACTCA[C>A]ATAATTAGCTAGCTGGCGAATCCCATGAGGAAAGCGCTGAGGGTCTGCCTGAAGTCTGCC-3'

ClinVar aggregate classification (germline): Pathogenic (1 of 4 stars; one submission).

Conditions:
Fabry disease. Also called: ALPHA-GALACTOSIDASE A DEFICIENCY; ANDERSON-FABRY DISEASE; CERAMIDE TRIHEXOSIDASE DEFICIENCY; GLA DEFICIENCY; HEREDITARY DYSTOPIC LIPIDOSIS; Angiokeratoma corporis diffusum. Identifiers: Orphanet 324, MedGen C0002986, MONDO:0010526, OMIM 301500, HP:0001071. Disease mechanism: Fabry disease is due to inactivating mutations in the X-linked GLA gene resulting in deficiency of the enzyme Alpha Galactosidase-A., loss of function.

Submission:

Genomenon, Inc
Classification: Pathogenic for Fabry disease. Last evaluated: 2026-09-08. Review status: criteria provided, single submitter. Criteria: Genomenon Sequence Variant Interpretation Standards - Updated. Collection method: curation. Allele origin: germline. Affected: yes.
Comment: GLA c.369+1G>T is a canonical splice variant affecting the donor splice site of intron 2. It is predicted to affect mRNA splicing, leading to a deleterious effect on the GLA protein. This variant has been observed in at least one proband with clinical features consistent with Fabry disease (PMID:37542614;31649303;39980015;33381118;30594474). Functional or patient cell studies have been reported (PMID:31649303;33381118). It is absent or not present at a significant frequency in gnomAD. In conclusion, we classify GLA c.369+1G>T as a pathogenic variant.

Literature cited by the submitters: PubMed 37542614; PubMed 31649303; PubMed 39980015; PubMed 33381118; PubMed 30594474.